The following is an entry in ClinVar:

ClinVar aggregate classification (germline): Conflicting classifications of pathogenicity. Review status: criteria provided, conflicting classifications (1 of 4 stars). 5 submissions from 5 submitters: Likely pathogenic (1); Uncertain significance (4). Last evaluated 2026-02-04.

Allele frequency attached by ClinVar (database versions not stated): gnomAD exomes below 0.00001.

Submissions (5):

Labcorp Genetics (formerly Invitae), Labcorp
Classification: Uncertain significance. Last evaluated: 2026-02-04. Review status: criteria provided, single submitter. Criteria: Invitae Variant Classification Sherloc (09022015). Collection method: clinical testing. Allele origin: germline.
Comment: This sequence change affects the initiator codon of the GALNT12 mRNA. This change may impact translation initiation or efficiency. The next in-frame methionine is located at codon 65. This variant is not present in population databases (gnomAD no frequency). Disruption of the initiator codon has been observed in individual(s) with breast cancer and/or colon cancer (PMID: 19617566). ClinVar contains an entry for this variant (Variation ID: 1319621). Algorithms developed to predict the effect of variants on gene product structure and function are not available or were not evaluated for this variant. Experimental studies have shown that disruption of the initiator codon affects GALNT12 function (PMID: 19617566). In summary, the available evidence is currently insufficient to determine the role of this variant in disease. Therefore, it has been classified as a Variant of Uncertain Significance.

Quest Diagnostics Nichols Institute San Juan Capistrano
Classification: Uncertain significance. Last evaluated: 2025-07-18. Review status: criteria provided, single submitter. Criteria: Quest Diagnostics criteria. Collection method: clinical testing. Allele origin: unknown.
Comment: The GALNT12 c.2T>C variant disrupts the translation initiation codon of the GALNT12 mRNA and is predicted to interfere with GALNT12 protein synthesis. This variant has not been reported in individuals with GALNT12-related conditions in the published literature. Assessment of experimental evidence focused on another variant at this codon suggests that the loss of this codon disrupts normal protein expression (PMID: 19617566 (2009)). This variant has not been reported in large, multi-ethnic general populations (Genome Aggregation Database). Since the available gene level evidence is currently insufficient to determine the role of this gene and variant in disease (ClinGen Hereditary Cancer Gene Curation Expert Panel), we are unable to determine the clinical significance of this variant.

Blueprint Genetics
Classification: Uncertain significance. Last evaluated: 2022-05-24. Review status: criteria provided, single submitter. Criteria: ACMG Guidelines, 2015. Collection method: clinical testing. Allele origin: germline.

Ambry Genetics
Classification: Uncertain significance. Last evaluated: 2022-02-25. Review status: criteria provided, single submitter. Criteria: Ambry Variant Classification Scheme 2023. Collection method: clinical testing. Allele origin: germline.
Comment: The p.M1? variant (also known as c.2T>C) is located in coding exon 1 of the GALNT12 gene and results from an T to C substitution at nucleotide position 2.This alters the methionine residue at the initiation codon (ATG). Sequence variations that modify the initiation codon are expected to result in either loss of translation initiation, N-terminal truncation, or cause a shift in the mRNA reading frame. The evidence for this gene-disease relationship is limited; therefore, the clinical significance of this alteration is unclear.

Institute for Clinical Genetics, University Hospital TU Dresden, University Hospital TU Dresden
Classification: Likely pathogenic. Last evaluated: 2021-11-03. Review status: criteria provided, single submitter. Criteria: ACMG Guidelines, 2015. Collection method: clinical testing. Allele origin: germline.

Literature cited by the submitters: PubMed 19617566 (cited by Labcorp Genetics (formerly Invitae), Labcorp and Quest Diagnostics Nichols Institute San Juan Capistrano); PubMed 35739269 (cited by Quest Diagnostics Nichols Institute San Juan Capistrano).

NM_024642.5(GALNT12):c.2T>C (p.Met1Thr)

Gene: GALNT12 (polypeptide N-acetylgalactosaminyltransferase 12; plus strand). Cytogenetic location: 9q22.33.
Variant type: single nucleotide variant.
Coding change: c.2T>C on transcript NM_024642.5 (MANE Select); coding-DNA position 2, T replaced by C.
Protein change: p.Met1Thr; changes the start codon (methionine 1).
Molecular consequence: missense variant, initiator codon variant.
Genome position (GRCh38, 1-based): chr9:98,807,700, T>C. VCF-style: chr9-98807700-T-C. GRCh37 (hg19) VCF-style: chr9-101569982-T-C.
Other names: short protein forms M1T.
Identifiers: ClinVar variation 1319621 (VCV001319621.12), dbSNP rs1005081558, ClinGen allele CA196833735.